The following is an entry in ClinVar:

NM_000038.6(APC):c.6204G>T (p.Met2068Ile)

Gene: APC (APC regulator of Wnt signaling pathway; plus strand). Cytogenetic location: 5q22.2.
Variant type: single nucleotide variant.
Coding change: c.6204G>T on transcript NM_000038.6 (MANE Select); coding-DNA position 6204, G replaced by T.
Protein change: p.Met2068Ile; replaces methionine 2068 with isoleucine.
Molecular consequence: missense variant.
Genome position (GRCh38, 1-based): chr5:112,841,798, G>T. VCF-style: chr5-112841798-G-T. GRCh37 (hg19) VCF-style: chr5-112177495-G-T.
Other names: c.6204G>T, p.Met2068Ile (NM_001127510.3, NM_001354895.2); c.6150G>T, p.Met2050Ile (NM_001127511.3); c.6258G>T, p.Met2086Ile (NM_001354896.2); c.6234G>T, p.Met2078Ile (NM_001354897.2); c.6129G>T, p.Met2043Ile (NM_001354898.2); c.6120G>T, p.Met2040Ile (NM_001354899.2); c.6081G>T, p.Met2027Ile (NM_001354900.2); c.6027G>T, p.Met2009Ile (NM_001354901.2); and 5 more; short protein forms M2050I, M2068I, M2009I, M2027I, M2040I, M2086I, M1977I, M1967I.
Identifiers: ClinVar variation 490329 (VCV000490329.6), dbSNP rs1554087277, ClinGen allele CA16034923.

ClinVar aggregate classification (germline): Uncertain significance (1 of 4 stars; one submission).

Conditions:
Hereditary cancer-predisposing syndrome. Also called: Hereditary Cancer Syndrome; Neoplastic Syndromes, Hereditary; Tumor predisposition; Hereditary neoplastic syndrome. Identifiers: Orphanet 140162, MedGen C0027672, MeSH D009386, MONDO:0015356.

Allele frequency attached by ClinVar (database versions not stated): gnomAD exomes below 0.00001.
gnomAD v4.1: 1 of 1,614,020 alleles (0.000062%); highest among the groups gnomAD compares: South Asian, 0.0011%; no homozygotes.

Submission:

Color Diagnostics, LLC DBA Color Health
Classification: Uncertain significance for Hereditary cancer-predisposing syndrome. Last evaluated: 2023-12-05. Review status: criteria provided, single submitter. Criteria: ACMG Guidelines, 2015. Collection method: clinical testing. Allele origin: germline.
Comment: This missense variant replaces methionine with isoleucine at codon 2068 of the APC protein. Computational prediction suggests that this variant may not impact protein structure and function (internally defined REVEL score threshold <= 0.5, PMID: 27666373). To our knowledge, functional studies have not been reported for this variant. This variant has not been reported in individuals affected with APC-related disorders in the literature. This variant has not been identified in the general population by the Genome Aggregation Database (gnomAD). The available evidence is insufficient to determine the role of this variant in disease conclusively. Therefore, this variant is classified as a Variant of Uncertain Significance.